The following is an entry in ClinVar:

NM_024854.5(PYROXD1):c.750+4T>A

Gene: PYROXD1 (pyridine nucleotide-disulphide oxidoreductase domain 1; plus strand). Cytogenetic location: 12p12.1.
Variant type: single nucleotide variant.
Coding change: c.750+4T>A on transcript NM_024854.5 (MANE Select); 4 bases into the intron after coding-DNA position 750, T replaced by A.
Molecular consequence: intron variant.
Genome position (GRCh38, 1-based): chr12:21,456,099, T>A. VCF-style: chr12-21456099-T-A. GRCh37 (hg19) VCF-style: chr12-21609033-T-A.
Other names: c.-28+4T>A (NM_001350913.2); c.537+4T>A (NM_001350912.2).
Identifiers: ClinVar variation 2045976 (VCV002045976.1), dbSNP rs2540258378, ClinGen allele CA2580085242.

ClinVar aggregate classification (germline): Uncertain significance (1 of 4 stars; one submission).

Submission:

Labcorp Genetics (formerly Invitae), Labcorp
Classification: Uncertain significance. Last evaluated: 2022-06-04. Review status: criteria provided, single submitter. Criteria: Invitae Variant Classification Sherloc (09022015). Collection method: clinical testing. Allele origin: germline.
Comment: This sequence change falls in intron 7 of the PYROXD1 gene. It does not directly change the encoded amino acid sequence of the PYROXD1 protein. It affects a nucleotide within the consensus splice site. This variant is not present in population databases (gnomAD no frequency). This variant has not been reported in the literature in individuals affected with PYROXD1-related conditions. Variants that disrupt the consensus splice site are a relatively common cause of aberrant splicing (PMID: 17576681, 9536098). Algorithms developed to predict the effect of sequence changes on RNA splicing suggest that this variant is not likely to affect RNA splicing. In summary, the available evidence is currently insufficient to determine the role of this variant in disease. Therefore, it has been classified as a Variant of Uncertain Significance.

Literature cited by the submitters: PubMed 17576681; PubMed 9536098.